The following is an entry in ClinVar:

NM_000061.3(BTK):c.310-8C>A

Gene: BTK (Bruton tyrosine kinase; minus strand). Cytogenetic location: Xq22.1.
Variant type: single nucleotide variant.
Coding change: c.310-8C>A on transcript NM_000061.3 (MANE Select); 8 bases into the intron before coding-DNA position 310, C replaced by A.
Molecular consequence: intron variant.
Genome position (GRCh38, 1-based): chrX:101,370,087, G>T on the plus strand (C>A on the coding strand, the complement: BTK is on the minus strand). VCF-style: chrX-101370087-G-T. GRCh37 (hg19) VCF-style: chrX-100625075-G-T.
Other names: c.412-8C>A (NM_001287344.2); c.310-8C>A (NM_001287345.2).
Identifiers: ClinVar variation 633141 (VCV000633141.3), dbSNP rs150930053, ClinGen allele CA913190970.

ClinVar aggregate classification (germline): Uncertain significance. Review status: criteria provided, multiple submitters, no conflicts (2 of 4 stars). 2 submissions from 2 submitters: Uncertain significance (2). Last evaluated 2025-05-21.

Conditions:
X-linked agammaglobulinemia with growth hormone deficiency (IGHD3). Also called: ISOLATED GROWTH HORMONE DEFICIENCY, TYPE III, WITH AGAMMAGLOBULINEMIA; HYPOGAMMAGLOBULINEMIA AND ISOLATED GROWTH HORMONE DEFICIENCY, X-LINKED; IGHD III; Isolated growth hormone deficiency type 3; Growth hormone deficiency with hypogammaglobulinemia; AGAMMAGLOBULINEMIA AND ISOLATED GROWTH HORMONE DEFICIENCY, X-LINKED. Identifiers: Orphanet 231692, Orphanet 631, MedGen C0472813, MONDO:0010615, OMIM 307200.

Submissions (2):

Women's Health and Genetics/Laboratory Corporation of America, LabCorp
Classification: Uncertain significance. Last evaluated: 2025-05-21. Review status: criteria provided, single submitter. Criteria: LabCorp Variant Classification Summary - May 2015. Collection method: clinical testing. Allele origin: germline.
Comment: Variant summary: BTK c.310-8C>A alters a conserved nucleotide located at a position not widely known to affect splicing. Several computational tools predict a significant impact on normal splicing: Four predict the variant creates a cryptic 3' acceptor site. Two also predict the variant abolishes the canonical 3' acceptor site and two predict the variant weakens the canonical 3' acceptor site. However, these predictions have yet to be confirmed by functional studies. The variant was absent in 182345 control chromosomes. The available data on variant occurrences in the general population are insufficient to allow any conclusion about variant significance. c.310-8C>A has been observed in individual(s) affected with X-Linked Agammaglobulinemia (e.g. Rawat_2020). These data do not allow any conclusion about variant significance. To our knowledge, no experimental evidence demonstrating an impact on protein function has been reported. The following publication has been ascertained in the context of this evaluation (PMID: 33584693). ClinVar contains an entry for this variant (Variation ID: 633141). Based on the evidence outlined above, the variant was classified as uncertain significance.

Labcorp Genetics (formerly Invitae), Labcorp
Classification: Uncertain significance for X-linked agammaglobulinemia with growth hormone deficiency. Last evaluated: 2025-04-28. Review status: criteria provided, single submitter. Criteria: Invitae Variant Classification Sherloc (09022015). Collection method: clinical testing. Allele origin: germline.
Comment: This sequence change falls in intron 4 of the BTK gene. It does not directly change the encoded amino acid sequence of the BTK protein. This variant is not present in population databases (gnomAD no frequency). This variant has been observed in individual(s) with agammaglobulinemia (PMID: 33584693). ClinVar contains an entry for this variant (Variation ID: 633141). Algorithms developed to predict the effect of sequence changes on RNA splicing suggest that this variant may disrupt the consensus splice site. In summary, the available evidence is currently insufficient to determine the role of this variant in disease. Therefore, it has been classified as a Variant of Uncertain Significance.

Literature cited by the submitters: PubMed 33584693 (cited by Women's Health and Genetics/Laboratory Corporation of America, LabCorp and Labcorp Genetics (formerly Invitae), Labcorp).